The following is an entry in ClinVar:

NM_004655.4(AXIN2):c.2134A>G (p.Lys712Glu)

Gene: AXIN2 (axin 2; minus strand). Cytogenetic location: 17q24.1.
Variant type: single nucleotide variant.
Coding change: c.2134A>G on transcript NM_004655.4 (MANE Select); coding-DNA position 2134, A replaced by G.
Protein change: p.Lys712Glu; replaces lysine 712 with glutamic acid.
Molecular consequence: missense variant.
Genome position (GRCh38, 1-based): chr17:65,536,327, T>C on the plus strand (A>G on the coding strand, the complement: AXIN2 is on the minus strand). VCF-style: chr17-65536327-T-C. GRCh37 (hg19) VCF-style: chr17-63532445-T-C.
Other names: c.1939A>G, p.Lys647Glu (NM_001363813.1); short protein forms K647E, K712E.
Identifiers: ClinVar variation 1786450 (VCV001786450.3), dbSNP rs2509400499, ClinGen allele CA400675918.

ClinVar aggregate classification (germline): Uncertain significance (1 of 4 stars; one submission).

Conditions:
Hereditary cancer-predisposing syndrome. Also called: Neoplastic Syndromes, Hereditary; Tumor predisposition; Hereditary Cancer Syndrome; Hereditary neoplastic syndrome. Identifiers: Orphanet 140162, MedGen C0027672, MeSH D009386, MONDO:0015356.

Allele frequency attached by ClinVar (database versions not stated): gnomAD exomes below 0.00001.
gnomAD v4.1: 2 of 1,610,704 alleles (0.00012%); highest among the groups gnomAD compares: Non-Finnish European, 0.00017%; no homozygotes.

Submission:

Ambry Genetics
Classification: Uncertain significance for Hereditary cancer-predisposing syndrome. Last evaluated: 2025-02-27. Review status: criteria provided, single submitter. Criteria: Ambry Variant Classification Scheme 2023. Collection method: clinical testing. Allele origin: germline.
Comment: The p.K712E variant (also known as c.2134A>G), located in coding exon 7 of the AXIN2 gene, results from an A to G substitution at nucleotide position 2134. The lysine at codon 712 is replaced by glutamic acid, an amino acid with similar properties. This amino acid position is highly conserved in available vertebrate species. In addition, the in silico prediction for this alteration is inconclusive. Based on the available evidence, the clinical significance of this variant remains unclear.